The following is an entry in ClinVar:

ClinVar aggregate classification (germline): Uncertain significance (1 of 4 stars; one submission).

gnomAD v4.1: 1 of 1,614,154 alleles (0.000062%); highest among the groups gnomAD compares: Non-Finnish European, 0.000085%; no homozygotes.

Submission:

Labcorp Genetics (formerly Invitae), Labcorp
Classification: Uncertain significance. Last evaluated: 2024-01-03. Review status: criteria provided, single submitter. Criteria: Invitae Variant Classification Sherloc (09022015). Collection method: clinical testing. Allele origin: germline.
Comment: This sequence change replaces histidine, which is basic and polar, with glutamine, which is neutral and polar, at codon 3328 of the RNF213 protein (p.His3328Gln). This variant is not present in population databases (gnomAD no frequency). This variant has not been reported in the literature in individuals affected with RNF213-related conditions. Algorithms developed to predict the effect of missense changes on protein structure and function output the following: SIFT: "Not Available"; PolyPhen-2: "Benign"; Align-GVGD: "Not Available". The glutamine amino acid residue is found in multiple mammalian species, which suggests that this missense change does not adversely affect protein function. In summary, the available evidence is currently insufficient to determine the role of this variant in disease. Therefore, it has been classified as a Variant of Uncertain Significance.

NM_001256071.3(RNF213):c.9984C>A (p.His3328Gln)

Gene: RNF213 (ring finger protein 213; plus strand). Cytogenetic location: 17q25.3.
Variant type: single nucleotide variant.
Coding change: c.9984C>A on transcript NM_001256071.3 (MANE Select); coding-DNA position 9984, C replaced by A.
Protein change: p.His3328Gln; replaces histidine 3328 with glutamine.
Molecular consequence: missense variant.
Genome position (GRCh38, 1-based): chr17:80,349,802, C>A. VCF-style: chr17-80349802-C-A. GRCh37 (hg19) VCF-style: chr17-78323602-C-A.
Other names: c.10131C>A, p.His3377Gln (NM_001410195.1, NM_020914.5); short protein forms H3328Q, H3377Q.
Identifiers: ClinVar variation 2757055 (VCV002757055.3), dbSNP rs142182615, ClinGen allele CA401404062.